The following is an entry in ClinVar:

NM_015425.6(POLR1A):c.473G>C (p.Arg158Pro)

Gene: POLR1A (RNA polymerase I subunit A; minus strand). Cytogenetic location: 2p11.2.
Variant type: single nucleotide variant.
Coding change: c.473G>C on transcript NM_015425.6 (MANE Select); coding-DNA position 473, G replaced by C.
Protein change: p.Arg158Pro; replaces arginine 158 with proline.
Molecular consequence: missense variant.
Genome position (GRCh38, 1-based): chr2:86,089,889, C>G on the plus strand (G>C on the coding strand, the complement: POLR1A is on the minus strand). VCF-style: chr2-86089889-C-G. GRCh37 (hg19) VCF-style: chr2-86317012-C-G.
Other names: short protein forms R158P.
Identifiers: ClinVar variation 779225 (VCV000779225.34), dbSNP rs146078741, ClinGen allele CA1746652.
Genomic context (GRCh38, chr2:86,089,889, plus strand): 5'-CCCTGGGACCCCAGGAGGTTGTTCTGCACAATTTCAGTTGTGTATTGTTCTAATTCCTCC[C>G]GAATTTCAGAGGCAGAGGGATCGGGATTTTCTTCCAGAAACTGGAAAACAAAGAGGAAAA-3'
Protein context (NP_056240.2, residues 148-168): ENPDPSASEI[Arg158Pro]EELEQYTTEI

ClinVar aggregate classification (germline): Benign/Likely benign. Review status: criteria provided, multiple submitters, no conflicts (2 of 4 stars). 4 submissions from 4 submitters: Benign (1); Likely benign (3). Last evaluated 2026-08-01.

Conditions:
Acrofacial dysostosis Cincinnati type. Identifiers: Orphanet 1200, MedGen C4225317, MONDO:0014651, OMIM 616462.

Allele frequency attached by ClinVar (database versions not stated): 1000 Genomes Project 0.00479; 1000 Genomes Project 30x 0.00547; gnomAD 0.00557; TOPMed 0.00572; ESP Exome Variant Server 0.00677.
gnomAD v4.1: 13,374 of 1,611,964 alleles (0.83%); highest among the groups gnomAD compares: Non-Finnish European, 0.92%; 48 homozygotes.

Submissions (4):

CeGaT Center for Human Genetics Tuebingen
Classification: Likely benign. Last evaluated: 2026-08-01. Review status: criteria provided, single submitter. Criteria: CeGaT Center For Human Genetics Tuebingen Variant Classification Criteria Version 2. Collection method: clinical testing. Allele origin: germline. Affected: yes. Observed: 12 variant alleles.
Comment: POLR1A: BP4, BS2

Labcorp Genetics (formerly Invitae), Labcorp
Classification: Benign. Last evaluated: 2026-01-27. Review status: criteria provided, single submitter. Criteria: Invitae Variant Classification Sherloc (09022015). Collection method: clinical testing. Allele origin: germline.

Mendelics
Classification: Likely benign for Acrofacial dysostosis Cincinnati type. Last evaluated: 2019-05-28. Review status: criteria provided, single submitter. Criteria: Mendelics Assertion Criteria 2017. Collection method: clinical testing. Allele origin: unknown.

Breakthrough Genomics
Classification: Likely benign. Review status: criteria provided, single submitter. Criteria: ACMG Guidelines, 2015. Collection method: not provided. Allele origin: germline. Inheritance: Autosomal dominant inheritance. Affected: yes.